The following is an entry in ClinVar:

ClinVar aggregate classification (germline): Uncertain significance (1 of 4 stars; one submission).

gnomAD v4.1: 2 of 1,576,758 alleles (0.00013%); highest among the groups gnomAD compares: Non-Finnish European, 0.00017%; no homozygotes.

Submission:

Labcorp Genetics (formerly Invitae), Labcorp
Classification: Uncertain significance. Last evaluated: 2025-12-15. Review status: criteria provided, single submitter. Criteria: Invitae Variant Classification Sherloc (09022015). Collection method: clinical testing. Allele origin: germline.
Comment: This sequence change falls in intron 1 of the TMED7 gene. It does not directly change the encoded amino acid sequence of the TMED7 protein. It affects a nucleotide within the consensus splice site. This variant is not present in population databases (gnomAD no frequency). This variant has not been reported in the literature in individuals affected with TMED7-related conditions. Variants that disrupt the consensus splice site are a relatively common cause of aberrant splicing (PMID: 17576681, 9536098). Algorithms developed to predict the effect of sequence changes on RNA splicing suggest that this variant is not likely to affect RNA splicing. In summary, the available evidence is currently insufficient to determine the role of this variant in disease. Therefore, it has been classified as a Variant of Uncertain Significance.

Literature cited by the submitters: PubMed 17576681; PubMed 9536098.

NM_181836.6(TMED7):c.192+4T>A

Genes: TMED7 (transmembrane p24 trafficking protein 7; minus strand), TMED7-TICAM2 (TMED7-TICAM2 readthrough; minus strand). Cytogenetic location: 5q22.3.
Variant type: single nucleotide variant.
Coding change: c.192+4T>A on transcript NM_181836.6 (MANE Select); 4 bases into the intron after coding-DNA position 192, T replaced by A.
Molecular consequence: intron variant.
Genome position (GRCh38, 1-based): chr5:115,625,597, A>T on the plus strand (T>A on the coding strand, the complement: TMED7 is on the minus strand). VCF-style: chr5-115625597-A-T. GRCh37 (hg19) VCF-style: chr5-114961294-A-T.
Other names: c.192+4T>A (NM_001164468.4, NM_001164469.4).
Identifiers: ClinVar variation 4732923 (VCV004732923.1).